The following is an entry in ClinVar:

NM_006922.4(SCN3A):c.2767C>T (p.Arg923Trp)

Gene: SCN3A (sodium voltage-gated channel alpha subunit 3; minus strand). Cytogenetic location: 2q24.3.
Variant type: single nucleotide variant.
Coding change: c.2767C>T on transcript NM_006922.4 (MANE Select); coding-DNA position 2767, C replaced by T.
Protein change: p.Arg923Trp; replaces arginine 923 with tryptophan.
Molecular consequence: missense variant.
Genome position (GRCh38, 1-based): chr2:165,130,095, G>A on the plus strand (C>T on the coding strand, the complement: SCN3A is on the minus strand). VCF-style: chr2-165130095-G-A. GRCh37 (hg19) VCF-style: chr2-165986605-G-A.
Other names: c.2767C>T (NM_006922.3); c.2620C>T, p.Arg874Trp (NM_001081676.2, NM_001081677.2); short protein forms R874W, R923W.
Identifiers: ClinVar variation 2154438 (VCV002154438.6), dbSNP rs1156905735, ClinGen allele CA349042576.
Genomic context (GRCh38, chr2:165,130,095, plus strand): 5'-CTCCACACAGCACGCGGAACACAATCAGGAAGGAGTGGAAGAAGTCGTTCATGTGCCACC[G>A]TGGGAGCGTACAGTCATCATTGATCTTGCAGACACATTCTTTGTAGCTCTTACCAAAGAG-3'
Protein context (NP_008853.3, residues 913-933): CKINDDCTLP[Arg923Trp]WHMNDFFHSF

ClinVar aggregate classification (germline): Uncertain significance. Review status: criteria provided, multiple submitters, no conflicts (2 of 4 stars). 2 submissions from 2 submitters: Uncertain significance (2). Last evaluated 2025-10-07.

Allele frequency attached by ClinVar (database versions not stated): gnomAD exomes below 0.00001.
gnomAD v4.1: 6 of 1,614,140 alleles (0.00037%); highest among the groups gnomAD compares: Non-Finnish European, 0.00042%; no homozygotes.

Submissions (2):

GeneDx
Classification: Uncertain significance. Last evaluated: 2025-10-07. Review status: criteria provided, single submitter. Criteria: GeneDx Variant Classification Process June 2021. Collection method: clinical testing. Allele origin: germline.
Comment: Not observed at significant frequency in large population cohorts (gnomAD); In silico analysis supports that this missense variant has a deleterious effect on protein structure/function; Has not been previously published as pathogenic or benign to our knowledge

Labcorp Genetics (formerly Invitae), Labcorp
Classification: Uncertain significance. Last evaluated: 2022-08-09. Review status: criteria provided, single submitter. Criteria: Invitae Variant Classification Sherloc (09022015). Collection method: clinical testing. Allele origin: germline.
Comment: This sequence change replaces arginine, which is basic and polar, with tryptophan, which is neutral and slightly polar, at codon 923 of the SCN3A protein (p.Arg923Trp). This variant is present in population databases (no rsID available, gnomAD 0.01%). This variant has not been reported in the literature in individuals affected with SCN3A-related conditions. Algorithms developed to predict the effect of missense changes on protein structure and function are either unavailable or do not agree on the potential impact of this missense change (SIFT: "Deleterious"; PolyPhen-2: "Possibly Damaging"; Align-GVGD: "Class C0"). In summary, the available evidence is currently insufficient to determine the role of this variant in disease. Therefore, it has been classified as a Variant of Uncertain Significance.